The following is an entry in ClinVar:

ClinVar aggregate classification (germline): Likely benign. Review status: criteria provided, multiple submitters, no conflicts (2 of 4 stars). 3 submissions from 3 submitters: Likely benign (3). Last evaluated 2025-12-17.

Conditions:
Cardiovascular phenotype. Identifiers: MedGen CN230736.

Allele frequency attached by ClinVar (database versions not stated): gnomAD 0.00001; TOPMed 0.00001.
gnomAD v4.1: 4 of 1,612,404 alleles (0.00025%); highest among the groups gnomAD compares: Admixed American, 0.0017%; no homozygotes.

Submissions (3):

Mayo Clinic Laboratories, Mayo Clinic
Classification: Likely benign. Last evaluated: 2025-12-17. Review status: criteria provided, single submitter. Criteria: ACMG Guidelines, 2015. Collection method: clinical testing. Allele origin: germline. Observed: 1 variant allele.
Comment: BP4, BP7, PM2_supporting

Labcorp Genetics (formerly Invitae), Labcorp
Classification: Likely benign. Last evaluated: 2025-10-23. Review status: criteria provided, single submitter. Criteria: Invitae Variant Classification Sherloc (09022015). Collection method: clinical testing. Allele origin: germline.

Ambry Genetics
Classification: Likely benign for Cardiovascular phenotype. Last evaluated: 2021-03-26. Review status: criteria provided, single submitter. Criteria: Ambry Variant Classification Scheme 2023. Collection method: clinical testing. Allele origin: germline.

NM_020778.5(ALPK3):c.3043C>T (p.Leu1015=)

Gene: ALPK3 (alpha kinase 3; plus strand). Cytogenetic location: 15q25.3.
Variant type: single nucleotide variant.
Coding change: c.3043C>T on transcript NM_020778.5 (MANE Select); coding-DNA position 3043, C replaced by T.
Protein change: p.Leu1015=; no amino-acid change (leucine 1015 retained).
Molecular consequence: synonymous variant.
Genome position (GRCh38, 1-based): chr15:84,857,781, C>T. VCF-style: chr15-84857781-C-T. GRCh37 (hg19) VCF-style: chr15-85401012-C-T.
Other names: p.Leu1217=.
Identifiers: ClinVar variation 1643690 (VCV001643690.11), dbSNP rs1222913903, ClinGen allele CA492273903.